The following is an entry in ClinVar:

ClinVar aggregate classification (germline): Uncertain significance (1 of 4 stars; one submission).

Conditions:
BAP1-related tumor predisposition syndrome (TPDS1). Also called: Tumor susceptibility linked to germline BAP1 mutations; COMMON Syndrome; BAP1 tumor predisposition syndrome; TUMOR PREDISPOSITION SYNDROME 1. Identifiers: Orphanet 289539, MedGen C3280492, MONDO:0013692, OMIM 614327.

Submission:

Labcorp Genetics (formerly Invitae), Labcorp
Classification: Uncertain significance for BAP1-related tumor predisposition syndrome. Last evaluated: 2022-01-26. Review status: criteria provided, single submitter. Criteria: Invitae Variant Classification Sherloc (09022015). Collection method: clinical testing. Allele origin: germline.
Comment: In summary, the available evidence is currently insufficient to determine the role of this variant in disease. Therefore, it has been classified as a Variant of Uncertain Significance. Algorithms developed to predict the effect of missense changes on protein structure and function are either unavailable or do not agree on the potential impact of this missense change (SIFT: "Deleterious"; PolyPhen-2: "Possibly Damaging"; Align-GVGD: "Class C0"). This variant has not been reported in the literature in individuals affected with BAP1-related conditions. This variant is not present in population databases (gnomAD no frequency). This sequence change replaces proline, which is neutral and non-polar, with histidine, which is basic and polar, at codon 352 of the BAP1 protein (p.Pro352His).

NM_004656.4(BAP1):c.1055C>A (p.Pro352His)

Gene: BAP1 (BRCA1 associated deubiquitinase 1; minus strand). Cytogenetic location: 3p21.1.
Variant type: single nucleotide variant.
Coding change: c.1055C>A on transcript NM_004656.4 (MANE Select); coding-DNA position 1055, C replaced by A.
Protein change: p.Pro352His; replaces proline 352 with histidine.
Molecular consequence: missense variant.
Genome position (GRCh38, 1-based): chr3:52,405,171, G>T on the plus strand (C>A on the coding strand, the complement: BAP1 is on the minus strand). VCF-style: chr3-52405171-G-T. GRCh37 (hg19) VCF-style: chr3-52439187-G-T.
Other names: short protein forms P352H.
Identifiers: ClinVar variation 1346287 (VCV001346287.8), dbSNP rs1559588419, ClinGen allele CA353105693.